The following is an entry in ClinVar:

NM_007055.4(POLR3A):c.2904A>T (p.Glu968Asp)

Gene: POLR3A (RNA polymerase III subunit A; minus strand). Cytogenetic location: 10q22.3.
Variant type: single nucleotide variant.
Coding change: c.2904A>T on transcript NM_007055.4 (MANE Select); coding-DNA position 2904, A replaced by T.
Protein change: p.Glu968Asp; replaces glutamic acid 968 with aspartic acid.
Molecular consequence: missense variant.
Genome position (GRCh38, 1-based): chr10:77,986,157, T>A on the plus strand (A>T on the coding strand, the complement: POLR3A is on the minus strand). VCF-style: chr10-77986157-T-A. GRCh37 (hg19) VCF-style: chr10-79745915-T-A.
Other names: short protein forms E968D.
Identifiers: ClinVar variation 2060411 (VCV002060411.4), dbSNP rs2493191048, ClinGen allele CA377332401.

ClinVar aggregate classification (germline): Uncertain significance (1 of 4 stars; one submission).

Submission:

Labcorp Genetics (formerly Invitae), Labcorp
Classification: Uncertain significance. Last evaluated: 2022-04-17. Review status: criteria provided, single submitter. Criteria: Invitae Variant Classification Sherloc (09022015). Collection method: clinical testing. Allele origin: germline.
Comment: In summary, the available evidence is currently insufficient to determine the role of this variant in disease. Therefore, it has been classified as a Variant of Uncertain Significance. This sequence change replaces glutamic acid, which is acidic and polar, with aspartic acid, which is acidic and polar, at codon 968 of the POLR3A protein (p.Glu968Asp). This variant is not present in population databases (gnomAD no frequency). This variant has not been reported in the literature in individuals affected with POLR3A-related conditions. Algorithms developed to predict the effect of missense changes on protein structure and function (SIFT, PolyPhen-2, Align-GVGD) all suggest that this variant is likely to be tolerated.